The following is an entry in ClinVar:

NM_001386298.1(CIC):c.5652C>T (p.Ser1884=)

Gene: CIC (capicua transcriptional repressor; plus strand). Cytogenetic location: 19q13.2.
Variant type: single nucleotide variant.
Coding change: c.5652C>T on transcript NM_001386298.1 (MANE Select); coding-DNA position 5652, C replaced by T.
Protein change: p.Ser1884=; no amino-acid change (serine 1884 retained).
Molecular consequence: synonymous variant.
Genome position (GRCh38, 1-based): chr19:42,292,124, C>T. VCF-style: chr19-42292124-C-T. GRCh37 (hg19) VCF-style: chr19-42796276-C-T.
Other names: c.5652C>T, p.Ser1884= (NM_001304815.2, NM_001379480.1, NM_001379482.1 and 1 more transcripts); c.2925C>T, p.Ser975= (NM_001379484.1, NM_001379485.1, NM_015125.5).
Identifiers: ClinVar variation 3034019 (VCV003034019.2), dbSNP rs562503521, ClinGen allele CA9472435.

ClinVar aggregate classification (germline): Likely benign (0 of 4 stars; one submission).

Conditions:
CIC-related disorder. Also called: CIC-related condition.

Allele frequency attached by ClinVar (database versions not stated): ExAC 0.00002; gnomAD 0.00002; TOPMed 0.00002; gnomAD exomes 0.00003; 1000 Genomes Project 30x 0.00016; 1000 Genomes Project 0.00020.
gnomAD v4.1: 49 of 1,613,978 alleles (0.003%); highest among the groups gnomAD compares: East Asian, 0.076%; no homozygotes.

Submission:

PreventionGenetics, part of Exact Sciences
Classification: Likely benign for CIC-related condition. Last evaluated: 2019-06-12. Review status: no assertion criteria provided. Collection method: clinical testing. Allele origin: germline.
Comment: This variant is classified as likely benign based on ACMG/AMP sequence variant interpretation guidelines (Richards et al. 2015 PMID: 25741868, with internal and published modifications).